The following is an entry in ClinVar:

NM_001379081.2(FREM1):c.2133_2135del (p.Lys711del)

Gene: FREM1 (FRAS1 related extracellular matrix 1; minus strand). Cytogenetic location: 9p22.3.
Variant type: Deletion.
Coding change: c.2133_2135del on transcript NM_001379081.2 (MANE Select); coding-DNA positions 2133 to 2135, 3 bases deleted (GAA; older notation c.2133_2135delGAA).
Protein change: p.Lys711del; deletes lysine 711.
Molecular consequence: inframe deletion. On other transcripts: non-coding transcript variant (2).
Genome position (GRCh38, 1-based): chr9:14,824,059-14,824,061, TTC deleted on the plus strand (GAA on the coding strand, the reverse complement: FREM1 is on the minus strand); deleting any 3 consecutive bases within chr9:14,824,059-14,824,063 gives the same sequence; the c. name uses the placement nearest the transcript's 3' end. VCF-style (leftmost placement, unchanged base first): chr9-14824058-ATTC-A. GRCh37 (hg19) VCF-style: chr9-14824056-ATTC-A.
Other names: c.2133_2135del, p.Lys711del (NM_144966.7); short protein forms K711del.
Identifiers: ClinVar variation 3251216 (VCV003251216.18), dbSNP rs2537990940.
Genomic context (GRCh38, chr9:14,824,058, plus strand): 5'-TGTCAGCATTTTAGCATATCCTCATACCTGAGTGAATGACCTCAGCTCCAGGGCCGTAGG[ATTC>A]TTAACTACTTTTGGTATGCTGTCCACCATAAATAATTTCCCAGCATCCAAGTGTCTAAAG-3'

ClinVar aggregate classification (germline): Uncertain significance (1 of 4 stars; one submission).

Submission:

CeGaT Center for Human Genetics Tuebingen
Classification: Uncertain significance. Last evaluated: 2024-06-01. Review status: criteria provided, single submitter. Criteria: CeGaT Center For Human Genetics Tuebingen Variant Classification Criteria Version 2. Collection method: clinical testing. Allele origin: germline. Affected: yes. Observed: 1 variant allele.
Comment: FREM1: PM2, PM4:Supporting